The following is an entry in ClinVar:

ClinVar aggregate classification (germline): Uncertain significance (1 of 4 stars; one submission).

gnomAD v4.1: 3 of 1,614,178 alleles (0.00019%); highest among the groups gnomAD compares: East Asian, 0.0045%; no homozygotes.

Submission:

Labcorp Genetics (formerly Invitae), Labcorp
Classification: Uncertain significance. Last evaluated: 2025-07-30. Review status: criteria provided, single submitter. Criteria: Invitae Variant Classification Sherloc (09022015). Collection method: clinical testing. Allele origin: germline.
Comment: This sequence change replaces threonine, which is neutral and polar, with isoleucine, which is neutral and non-polar, at codon 303 of the SIAE protein (p.Thr303Ile). This variant is not present in population databases (gnomAD no frequency). This variant has not been reported in the literature in individuals affected with SIAE-related conditions. An algorithm developed to predict the effect of missense changes on protein structure and function (PolyPhen-2) suggests that this variant is likely to be disruptive. In summary, the available evidence is currently insufficient to determine the role of this variant in disease. Therefore, it has been classified as a Variant of Uncertain Significance.

NM_170601.5(SIAE):c.908C>T (p.Thr303Ile)

Gene: SIAE (sialic acid acetylesterase; minus strand). Cytogenetic location: 11q24.2.
Variant type: single nucleotide variant.
Coding change: c.908C>T on transcript NM_170601.5 (MANE Select); coding-DNA position 908, C replaced by T.
Protein change: p.Thr303Ile; replaces threonine 303 with isoleucine.
Molecular consequence: missense variant.
Genome position (GRCh38, 1-based): chr11:124,647,423, G>A on the plus strand (C>T on the coding strand, the complement: SIAE is on the minus strand). VCF-style: chr11-124647423-G-A. GRCh37 (hg19) VCF-style: chr11-124517319-G-A.
Other names: c.803C>T, p.Thr268Ile (NM_001199922.2); short protein forms T268I, T303I.
Identifiers: ClinVar variation 4724361 (VCV004724361.1).